The following is an entry in ClinVar:

ClinVar aggregate classification (germline): Conflicting classifications of pathogenicity. Review status: criteria provided, conflicting classifications (1 of 4 stars). 3 submissions from 3 submitters: Uncertain significance (1); Benign (1). 1 of the submissions does not count toward it. Last evaluated 2025-07-15.

Conditions:
Abnormal bleeding. Also called: Bleeding diathesis. Identifiers: MedGen C1458140, HP:0001892.
Thrombocytopenia. Identifiers: MedGen C0040034, MeSH D013921, MONDO:0002049, HP:0001873.

Allele frequency attached by ClinVar (database versions not stated): gnomAD exomes 0.00005 and 0.00014; ExAC 0.00013; TOPMed below 0.00001.
gnomAD v4.1: 78 of 1,613,564 alleles (0.0048%); highest among the groups gnomAD compares: East Asian, 0.0022%; no homozygotes.

Submissions (3):

Labcorp Genetics (formerly Invitae), Labcorp
Classification: Uncertain significance. Last evaluated: 2025-07-15. Review status: criteria provided, single submitter. Criteria: Invitae Variant Classification Sherloc (09022015). Collection method: clinical testing. Allele origin: germline.
Comment: This sequence change replaces arginine, which is basic and polar, with histidine, which is basic and polar, at codon 122 of the P2RY12 protein (p.Arg122His). This variant is present in population databases (rs778790805, gnomAD 0.1%). This missense change has been observed in individual(s) with P2RY12-related conditions (PMID: 25556537, 25567036). ClinVar contains an entry for this variant (Variation ID: 988855). An algorithm developed to predict the effect of missense changes on protein structure and function (PolyPhen-2) suggests that this variant is likely to be disruptive. Experimental studies have shown that this missense change affects P2RY12 function (PMID: 25567036). In summary, the available evidence is currently insufficient to determine the role of this variant in disease. Therefore, it has been classified as a Variant of Uncertain Significance.

Mendelics
Classification: Benign. Last evaluated: 2022-05-04. Review status: criteria provided, single submitter. Criteria: Mendelics Assertion Criteria 2019. Collection method: clinical testing. Allele origin: germline.

Birmingham Platelet Group; University of Birmingham
Classification: Likely pathogenic for Thrombocytopenia; Abnormal bleeding. Last evaluated: 2020-05-01. Review status: no assertion criteria provided. Collection method: research. Allele origin: germline. Affected: yes. Not counted in ClinVar's aggregate classification.

Literature cited by the submitters: PubMed 25556537 (cited by Labcorp Genetics (formerly Invitae), Labcorp); PubMed 25567036 (cited by Labcorp Genetics (formerly Invitae), Labcorp).

NM_022788.5(P2RY12):c.365G>A (p.Arg122His)

Genes: P2RY12 (purinergic receptor P2Y12; minus strand), MED12L (mediator complex subunit 12L; plus strand). Cytogenetic location: 3q25.1.
Variant type: single nucleotide variant.
Coding change: c.365G>A on transcript NM_022788.5 (MANE Select); coding-DNA position 365, G replaced by A.
Protein change: p.Arg122His; replaces arginine 122 with histidine.
Molecular consequence: missense variant. On other transcripts: intron variant (2).
Genome position (GRCh38, 1-based): chr3:151,338,481, C>T on the plus strand (G>A on the coding strand, the complement: P2RY12 is on the minus strand). VCF-style: chr3-151338481-C-T. GRCh37 (hg19) VCF-style: chr3-151056269-C-T.
Other names: c.365G>A, p.Arg122His (NM_176876.3); c.2251-11578C>T (NM_001393769.1); c.2146-11578C>T (NM_053002.6); short protein forms R122H.
Identifiers: ClinVar variation 988855 (VCV000988855.3), dbSNP rs778790805, ClinGen allele CA2667870.
Genomic context (GRCh38, chr3:151,338,481, plus strand): 5'-TTAGCCCCCAAGAGATTTTTGGGGTTGGATGTTTTAAATGGCCTGGTGGTCTTCTGGTAG[C>T]GATCGATAGTTATCAGTCCCAGGAATGAAATACTGATATACATTGTGAAATAAAATATGA-3'
Protein context (NP_073625.1, residues 112-132): ISFLGLITID[Arg122His]YQKTTRPFKT